The following is an entry in ClinVar:

NC_012920.1(MT-ND2):m.4833A>G

Gene: MT-ND2 (mitochondrially encoded NADH dehydrogenase 2; plus strand).
Variant type: single nucleotide variant.
Genome position: chrM-4833-A-G.
Identifiers: ClinVar variation 692511 (VCV000692511.1), dbSNP rs386419995, ClinGen allele CA414775998.

ClinVar aggregate classification (germline): Benign (1 of 4 stars; one submission).

Conditions:
Leigh syndrome (NULS). Also called: Leigh's necrotizing encephalopathy; Leigh's disease; Leigh Syndrome (mtDNA deletion); Leigh Disease; Subacute necrotizing encephalopathy; Necrotizing encephalopathy infantile subacute of Leigh. Identifiers: Orphanet 506, MedGen C2931891, MONDO:0009723, OMIM 256000.

Submission:

Wong Mito Lab, Molecular and Human Genetics, Baylor College of Medicine
Classification: Benign for Leigh syndrome. Last evaluated: 2019-10-17. Review status: criteria provided, single submitter. Criteria: Modified ACMG Guidelines (Unpublished). Collection method: clinical testing. Allele origin: germline.
Comment: The NC_012920.1:m.4833A>G (YP_003024027.1:p.Thr122Ala) variant in MTND2 gene is interpretated to be a Benign variant based on the modified ACMG guidelines (unpublished). This variant meets the following evidence codes: BA1